The following is an entry in ClinVar:

NM_001163809.2(WDR81):c.3330C>T (p.Asp1110=)

Gene: WDR81 (WD repeat domain 81; plus strand). Cytogenetic location: 17p13.3.
Variant type: single nucleotide variant.
Coding change: c.3330C>T on transcript NM_001163809.2 (MANE Select); coding-DNA position 3330, C replaced by T.
Protein change: p.Asp1110=; no amino-acid change (aspartic acid 1110 retained).
Molecular consequence: synonymous variant. On other transcripts: intron variant (2).
Genome position (GRCh38, 1-based): chr17:1,728,289, C>T. VCF-style: chr17-1728289-C-T. GRCh37 (hg19) VCF-style: chr17-1631583-C-T.
Other names: c.177C>T, p.Asp59= (NM_152348.4); c.59-2091C>T (NM_001163673.2); c.-14-2091C>T (NM_001163811.2).
Identifiers: ClinVar variation 4822601 (VCV004822601.4).

ClinVar aggregate classification (germline): Likely benign (1 of 4 stars; one submission).

Submission:

CeGaT Center for Human Genetics Tuebingen
Classification: Likely benign. Last evaluated: 2026-01-01. Review status: criteria provided, single submitter. Criteria: CeGaT Center For Human Genetics Tuebingen Variant Classification Criteria Version 2. Collection method: clinical testing. Allele origin: germline. Affected: yes. Observed: 1 variant allele.
Comment: WDR81: PM2:Supporting, BP4, BP7